The following is an entry in ClinVar:

ClinVar aggregate classification (germline): Uncertain significance (1 of 4 stars; one submission).

Conditions:
Autosomal recessive ataxia, Beauce type. Also called: SYNE1-Related Autosomal Recessive Cerebellar Ataxia; Spinocerebellar ataxia, autosomal recessive 8; ATAXIA, RECESSIVE, OF BEAUCE; SYNE1 Deficiency. Identifiers: Orphanet 88644, MedGen C1853116, MONDO:0012549, OMIM 610743.
Emery-Dreifuss muscular dystrophy 4, autosomal dominant (EDMD4). Also called: EMERY-DREIFUSS MUSCULAR DYSTROPHY 4 WITH VARIABLE FEATURES. Identifiers: Orphanet 261, MedGen C2751807, MONDO:0013071, OMIM 612998.

gnomAD v4.1: 4 of 1,614,252 alleles (0.00025%); highest among the groups gnomAD compares: South Asian, 0.0022%; no homozygotes.

Submission:

Labcorp Genetics (formerly Invitae), Labcorp
Classification: Uncertain significance for Emery-Dreifuss muscular dystrophy 4, autosomal dominant; Autosomal recessive ataxia, Beauce type. Last evaluated: 2024-02-23. Review status: criteria provided, single submitter. Criteria: Invitae Variant Classification Sherloc (09022015). Collection method: clinical testing. Allele origin: germline.
Comment: This sequence change replaces glutamine, which is neutral and polar, with arginine, which is basic and polar, at codon 5193 of the SYNE1 protein (p.Gln5193Arg). This variant is not present in population databases (gnomAD no frequency). This variant has not been reported in the literature in individuals affected with SYNE1-related conditions. ClinVar contains an entry for this variant (Variation ID: 1484254). An algorithm developed to predict the effect of missense changes on protein structure and function (PolyPhen-2) suggests that this variant is likely to be tolerated. In summary, the available evidence is currently insufficient to determine the role of this variant in disease. Therefore, it has been classified as a Variant of Uncertain Significance.

NM_182961.4(SYNE1):c.15791A>G (p.Gln5264Arg)

Gene: SYNE1 (spectrin repeat containing nuclear envelope protein 1; minus strand). Cytogenetic location: 6q25.2.
Variant type: single nucleotide variant.
Coding change: c.15791A>G on transcript NM_182961.4 (MANE Select); coding-DNA position 15791, A replaced by G.
Protein change: p.Gln5264Arg; replaces glutamine 5264 with arginine.
Molecular consequence: missense variant.
Genome position (GRCh38, 1-based): chr6:152,323,604, T>C on the plus strand (A>G on the coding strand, the complement: SYNE1 is on the minus strand). VCF-style: chr6-152323604-T-C. GRCh37 (hg19) VCF-style: chr6-152644739-T-C.
Other names: c.15578A>G, p.Gln5193Arg (NM_033071.5); short protein forms Q5193R, Q5264R.
Identifiers: ClinVar variation 1484254 (VCV001484254.7), dbSNP rs2153938686, ClinGen allele CA366090004.